The following is an entry in ClinVar:

NM_001482.3(GATM):c.92G>A (p.Trp31Ter)

Gene: GATM (glycine amidinotransferase; minus strand). Cytogenetic location: 15q21.1.
Variant type: single nucleotide variant.
Coding change: c.92G>A on transcript NM_001482.3 (MANE Select); coding-DNA position 92, G replaced by A.
Protein change: p.Trp31Ter; replaces tryptophan 31 with a stop codon.
Molecular consequence: nonsense. On other transcripts: 5 prime UTR variant (1).
Genome position (GRCh38, 1-based): chr15:45,376,797, C>T on the plus strand (G>A on the coding strand, the complement: GATM is on the minus strand). VCF-style: chr15-45376797-C-T. GRCh37 (hg19) VCF-style: chr15-45668995-C-T.
Other names: c.-296G>A (NM_001321015.2); short protein forms W31*.
Identifiers: ClinVar variation 3638018 (VCV003638018.2).

ClinVar aggregate classification (germline): Pathogenic (1 of 4 stars; one submission).

Conditions:
Arginine:glycine amidinotransferase deficiency (CCDS3). Also called: Creatine deficiency syndrome due to AGAT deficiency; GATM deficiency; AGAT deficiency; L-Arginine:Glycine Amidinotransferase Deficiency; L-Arginine:Glycine Amidinotransferase (AGAT) Deficiency; Cerebral creatine deficiency syndrome 3. Identifiers: Orphanet 35704, MedGen C2675179, MONDO:0012996, OMIM 612718.

Submission:

Labcorp Genetics (formerly Invitae), Labcorp
Classification: Pathogenic for Arginine:glycine amidinotransferase deficiency. Last evaluated: 2024-02-01. Review status: criteria provided, single submitter. Criteria: Invitae Variant Classification Sherloc (09022015). Collection method: clinical testing. Allele origin: germline.
Comment: This sequence change creates a premature translational stop signal (p.Trp31*) in the GATM gene. It is expected to result in an absent or disrupted protein product. Loss-of-function variants in GATM are known to be pathogenic (PMID: 11555793). This variant is not present in population databases (gnomAD no frequency). This variant has not been reported in the literature in individuals affected with GATM-related conditions. For these reasons, this variant has been classified as Pathogenic.

Literature cited by the submitters: PubMed 11555793.